The following is an entry in ClinVar:

ClinVar aggregate classification (germline): Likely benign. Review status: criteria provided, multiple submitters, no conflicts (2 of 4 stars). 3 submissions from 3 submitters: Likely benign (2). 1 of the submissions does not count toward it. Last evaluated 2025-01-27.

Conditions:
ITPR1-related disorder. Also called: ITPR1-related condition.

Allele frequency attached by ClinVar (database versions not stated): gnomAD exomes 0.00004 and 0.00012; gnomAD 0.00005; TOPMed 0.00005; ExAC 0.00007; ESP Exome Variant Server 0.00016.
gnomAD v4.1: 182 of 1,613,850 alleles (0.011%); highest among the groups gnomAD compares: Non-Finnish European, 0.014%; no homozygotes.

Submissions (3):

Labcorp Genetics (formerly Invitae), Labcorp
Classification: Likely benign. Last evaluated: 2025-01-27. Review status: criteria provided, single submitter. Criteria: Invitae Variant Classification Sherloc (09022015). Collection method: clinical testing. Allele origin: germline.

Blueprint Genetics
Classification: Likely benign. Last evaluated: 2022-05-25. Review status: criteria provided, single submitter. Criteria: ACMG Guidelines, 2015. Collection method: clinical testing. Allele origin: germline.

PreventionGenetics, part of Exact Sciences
Classification: Likely benign for ITPR1-related condition. Last evaluated: 2022-08-10. Review status: no assertion criteria provided. Collection method: clinical testing. Allele origin: germline. Not counted in ClinVar's aggregate classification.
Comment: This variant is classified as likely benign based on ACMG/AMP sequence variant interpretation guidelines (Richards et al. 2015 PMID: 25741868, with internal and published modifications).

NM_001378452.1(ITPR1):c.3447C>T (p.Pro1149=)

Gene: ITPR1 (inositol 1,4,5-trisphosphate receptor type 1; plus strand). Cytogenetic location: 3p26.1.
Variant type: single nucleotide variant.
Coding change: c.3447C>T on transcript NM_001378452.1 (MANE Select); coding-DNA position 3447, C replaced by T.
Protein change: p.Pro1149=; no amino-acid change (proline 1149 retained).
Molecular consequence: synonymous variant.
Genome position (GRCh38, 1-based): chr3:4,683,747, C>T. VCF-style: chr3-4683747-C-T. GRCh37 (hg19) VCF-style: chr3-4725431-C-T.
Other names: c.3375C>T (NM_002222.5); c.3420C>T, p.Pro1140= (NM_001099952.4); c.3402C>T, p.Pro1134= (NM_001168272.2); c.3375C>T, p.Pro1125= (NM_002222.7).
Identifiers: ClinVar variation 1614171 (VCV001614171.11), dbSNP rs372672483, ClinGen allele CA2231665.